The following is an entry in ClinVar:

ClinVar aggregate classification (germline): Uncertain significance. Review status: criteria provided, multiple submitters, no conflicts (2 of 4 stars). 2 submissions from 2 submitters: Uncertain significance (2). Last evaluated 2021-09-01.

Conditions:
Inborn genetic diseases. Identifiers: MedGen C0950123, MeSH D030342.
Charcot-Marie-Tooth disease type 4. Also called: Charcot-Marie-Tooth disease, type IV; Charcot-Marie-Tooth, Type 4. Identifiers: Orphanet 64749, MedGen C4082197, MONDO:0018995.

Allele frequency attached by ClinVar (database versions not stated): TOPMed below 0.00001; ExAC 0.00001; gnomAD 0.00001; gnomAD exomes 0.00001 and 0.00002; ESP Exome Variant Server 0.00008.
gnomAD v4.1: 18 of 1,608,040 alleles (0.0011%); highest among the groups gnomAD compares: Non-Finnish European, 0.0015%; no homozygotes.

Submissions (2):

Labcorp Genetics (formerly Invitae), Labcorp
Classification: Uncertain significance for Charcot-Marie-Tooth disease type 4. Last evaluated: 2021-09-01. Review status: criteria provided, single submitter. Criteria: Invitae Variant Classification Sherloc (09022015). Collection method: clinical testing. Allele origin: germline.
Comment: This sequence change replaces leucine with serine at codon 39 of the FIG4 protein (p.Leu39Ser). The leucine residue is highly conserved and there is a large physicochemical difference between leucine and serine. This variant is present in population databases (rs373630745, ExAC 0.002%). This variant has not been reported in the literature in individuals affected with FIG4-related conditions. Algorithms developed to predict the effect of missense changes on protein structure and function are either unavailable or do not agree on the potential impact of this missense change (SIFT: "Deleterious"; PolyPhen-2: "Probably Damaging"; Align-GVGD: "Class C0"). In summary, the available evidence is currently insufficient to determine the role of this variant in disease. Therefore, it has been classified as a Variant of Uncertain Significance.

Ambry Genetics
Classification: Uncertain significance for Inborn genetic diseases. Last evaluated: 2020-06-18. Review status: criteria provided, single submitter. Criteria: Ambry Variant Classification Scheme 2023. Collection method: clinical testing. Allele origin: germline.
Comment: The p.L39S variant (also known as c.116T>C), located in coding exon 2 of the FIG4 gene, results from a T to C substitution at nucleotide position 116. The leucine at codon 39 is replaced by serine, an amino acid with dissimilar properties. This amino acid position is well conserved in available vertebrate species. In addition, this alteration is predicted to be deleterious by in silico analysis. Since supporting evidence is limited at this time, the clinical significance of this alteration remains unclear.

NM_014845.6(FIG4):c.116T>C (p.Leu39Ser)

Gene: FIG4 (FIG4 phosphoinositide 5-phosphatase; plus strand). Cytogenetic location: 6q21.
Variant type: single nucleotide variant.
Coding change: c.116T>C on transcript NM_014845.6 (MANE Select); coding-DNA position 116, T replaced by C.
Protein change: p.Leu39Ser; replaces leucine 39 with serine.
Molecular consequence: missense variant.
Genome position (GRCh38, 1-based): chr6:109,715,127, T>C. VCF-style: chr6-109715127-T-C. GRCh37 (hg19) VCF-style: chr6-110036330-T-C.
Other names: short protein forms L39S.
Identifiers: ClinVar variation 859963 (VCV000859963.8), dbSNP rs373630745, ClinGen allele CA3955678.